The following is an entry in ClinVar:

NM_017950.4(CCDC40):c.3301G>A (p.Asp1101Asn)

Gene: CCDC40 (coiled-coil domain 40 molecular ruler complex subunit; plus strand). Cytogenetic location: 17q25.3.
Variant type: single nucleotide variant.
Coding change: c.3301G>A on transcript NM_017950.4 (MANE Select); coding-DNA position 3301, G replaced by A.
Protein change: p.Asp1101Asn; replaces aspartic acid 1101 with asparagine.
Molecular consequence: missense variant.
Genome position (GRCh38, 1-based): chr17:80,099,647, G>A. VCF-style: chr17-80099647-G-A. GRCh37 (hg19) VCF-style: chr17-78073446-G-A.
Other names: short protein forms D1101N.
Identifiers: ClinVar variation 3392699 (VCV003392699.2).

ClinVar aggregate classification (germline): Uncertain significance. Review status: criteria provided, multiple submitters, no conflicts (2 of 4 stars). 2 submissions from 2 submitters: Uncertain significance (2). Last evaluated 2025-04-05.

Conditions:
Primary ciliary dyskinesia. Also called: Ciliary dyskinesia. Identifiers: Orphanet 244, MedGen C0008780, MONDO:0016575, HP:0012265.

gnomAD v4.1: 10 of 1,613,830 alleles (0.00062%); highest among the groups gnomAD compares: African/African-American, 0.0053%; no homozygotes.

Submissions (2):

Ambry Genetics
Classification: Uncertain significance for Primary ciliary dyskinesia. Last evaluated: 2025-04-05. Review status: criteria provided, single submitter. Criteria: Ambry Variant Classification Scheme 2023. Collection method: clinical testing. Allele origin: germline.
Comment: The p.D1101N variant (also known as c.3301G>A), located in coding exon 20 of the CCDC40 gene, results from a G to A substitution at nucleotide position 3301. The aspartic acid at codon 1101 is replaced by asparagine, an amino acid with highly similar properties. This amino acid position is conserved. In addition, this alteration is predicted to be tolerated by in silico analysis. Based on the available evidence, the clinical significance of this variant remains unclear.

GeneDx
Classification: Uncertain significance. Last evaluated: 2024-06-24. Review status: criteria provided, single submitter. Criteria: GeneDx Variant Classification Process June 2021. Collection method: clinical testing. Allele origin: germline. Affected: yes.
Comment: Not observed at significant frequency in large population cohorts (gnomAD); In silico analysis indicates that this missense variant does not alter protein structure/function; Has not been previously published as pathogenic or benign to our knowledge